The following is an entry in ClinVar:

NM_000321.3(RB1):c.1108C>T (p.Pro370Ser)

Gene: RB1 (RB transcriptional corepressor 1; plus strand). Cytogenetic location: 13q14.2.
Variant type: single nucleotide variant.
Coding change: c.1108C>T on transcript NM_000321.3 (MANE Select); coding-DNA position 1108, C replaced by T.
Protein change: p.Pro370Ser; replaces proline 370 with serine.
Molecular consequence: missense variant.
Genome position (GRCh38, 1-based): chr13:48,368,585, C>T. VCF-style: chr13-48368585-C-T. GRCh37 (hg19) VCF-style: chr13-48942721-C-T.
Other names: short protein forms P370S.
Identifiers: ClinVar variation 458114 (VCV000458114.10), dbSNP rs1168863456, ClinGen allele CA388161312.

ClinVar aggregate classification (germline): Conflicting classifications of pathogenicity. Review status: criteria provided, conflicting classifications (1 of 4 stars). 3 submissions from 3 submitters: Uncertain significance (2); Likely benign (1). Last evaluated 2026-01-07.

Conditions:
Hereditary cancer-predisposing syndrome. Also called: Neoplastic Syndromes, Hereditary; Tumor predisposition; Hereditary Cancer Syndrome; Hereditary neoplastic syndrome. Identifiers: Orphanet 140162, MedGen C0027672, MeSH D009386, MONDO:0015356.
Retinoblastoma (RB1). Also called: RETINOBLASTOMA, SOMATIC. Identifiers: Orphanet 790, MedGen C0035335, MeSH D012175, MONDO:0008380, OMIM 180200, HP:0009919. Disease mechanism: loss of function. Inheritance: Both sporadic and heritable forms are tested..

Allele frequency attached by ClinVar (database versions not stated): gnomAD exomes below 0.00001; TOPMed below 0.00001.
gnomAD v4.1: 1 of 1,613,364 alleles (0.000062%); highest among the groups gnomAD compares: Non-Finnish European, 0.000085%; no homozygotes.

Submissions (3):

Labcorp Genetics (formerly Invitae), Labcorp
Classification: Uncertain significance for Retinoblastoma. Last evaluated: 2026-01-07. Review status: criteria provided, single submitter. Criteria: Invitae Variant Classification Sherloc (09022015). Collection method: clinical testing. Allele origin: germline.
Comment: This sequence change replaces proline, which is neutral and non-polar, with serine, which is neutral and polar, at codon 370 of the RB1 protein (p.Pro370Ser). This variant is not present in population databases (gnomAD no frequency). This variant has not been reported in the literature in individuals affected with RB1-related conditions. ClinVar contains an entry for this variant (Variation ID: 458114). Invitae Evidence Modeling of protein sequence and biophysical properties (such as structural, functional, and spatial information, amino acid conservation, physicochemical variation, residue mobility, and thermodynamic stability) indicates that this missense variant is not expected to disrupt RB1 protein function with a negative predictive value of 80%. In summary, the available evidence is currently insufficient to determine the role of this variant in disease. Therefore, it has been classified as a Variant of Uncertain Significance.

Ambry Genetics
Classification: Likely benign for Hereditary cancer-predisposing syndrome. Last evaluated: 2023-12-22. Review status: criteria provided, single submitter. Criteria: Ambry Variant Classification Scheme 2023. Collection method: clinical testing. Allele origin: germline.

GeneDx
Classification: Uncertain significance. Last evaluated: 2023-12-20. Review status: criteria provided, single submitter. Criteria: GeneDx Variant Classification Process June 2021. Collection method: clinical testing. Allele origin: germline. Affected: yes.
Comment: Not observed at significant frequency in large population cohorts (gnomAD); In silico analysis supports that this missense variant has a deleterious effect on protein structure/function; Has not been previously published as pathogenic or benign to our knowledge